The following is an entry in ClinVar:

NM_024753.5(TTC21B):c.1900-1G>T

Gene: TTC21B (tetratricopeptide repeat domain 21B; minus strand). Cytogenetic location: 2q24.3.
Variant type: single nucleotide variant.
Coding change: c.1900-1G>T on transcript NM_024753.5 (MANE Select); the canonical splice acceptor site of the intron before coding-DNA position 1900, G replaced by T.
Molecular consequence: splice acceptor variant.
Genome position (GRCh38, 1-based): chr2:165,915,440, C>A on the plus strand (G>T on the coding strand, the complement: TTC21B is on the minus strand). VCF-style: chr2-165915440-C-A. GRCh37 (hg19) VCF-style: chr2-166771950-C-A.
Identifiers: ClinVar variation 2941944 (VCV002941944.3), dbSNP rs1244170961, ClinGen allele CA349059167.

ClinVar aggregate classification (germline): Likely pathogenic (1 of 4 stars; one submission).

Conditions:
Jeune thoracic dystrophy. Also called: Short-rib thoracic dysplasia; Jeune syndrome; Infantile thoracic dystrophy; Thoracic pelvic phalangeal dystrophy; Jeune's syndrome; Chondroectodermal dysplasia-like syndrome. Identifiers: Orphanet 474, MedGen C0265275, MONDO:0018770.
Nephronophthisis. Also called: Juvenile Nephronophthisis. Identifiers: Orphanet 655, MedGen C0687120, MONDO:0019005, HP:0000090.

Allele frequency attached by ClinVar (database versions not stated): gnomAD exomes below 0.00001.
gnomAD v4.1: 3 of 1,608,182 alleles (0.00019%); highest among the groups gnomAD compares: South Asian, 0.0033%; no homozygotes.

Submission:

Labcorp Genetics (formerly Invitae), Labcorp
Classification: Likely pathogenic for Jeune thoracic dystrophy; Nephronophthisis. Last evaluated: 2022-11-30. Review status: criteria provided, single submitter. Criteria: Invitae Variant Classification Sherloc (09022015). Collection method: clinical testing. Allele origin: germline.
Comment: This variant has not been reported in the literature in individuals affected with TTC21B-related conditions. In summary, the currently available evidence indicates that the variant is pathogenic, but additional data are needed to prove that conclusively. Therefore, this variant has been classified as Likely Pathogenic. Algorithms developed to predict the effect of sequence changes on RNA splicing suggest that this variant may disrupt the consensus splice site. This variant is present in population databases (no rsID available, gnomAD 0.003%). This sequence change affects an acceptor splice site in intron 14 of the TTC21B gene. It is expected to disrupt RNA splicing. Variants that disrupt the donor or acceptor splice site typically lead to a loss of protein function (PMID: 16199547), and loss-of-function variants in TTC21B are known to be pathogenic (PMID: 18327258, 21068128, 21258341, 23559409, 24876116, 25492405, 27491411, 29068549).

Literature cited by the submitters: PubMed 16199547; PubMed 18327258; PubMed 21068128; PubMed 21258341; PubMed 23559409; PubMed 24876116; PubMed 25492405; PubMed 27491411; PubMed 29068549.